The following is an entry in ClinVar:

ClinVar aggregate classification (germline): Uncertain significance (1 of 4 stars; one submission).

Submission:

Labcorp Genetics (formerly Invitae), Labcorp
Classification: Uncertain significance. Last evaluated: 2025-02-19. Review status: criteria provided, single submitter. Criteria: Invitae Variant Classification Sherloc (09022015). Collection method: clinical testing. Allele origin: germline.
Comment: This sequence change replaces leucine, which is neutral and non-polar, with valine, which is neutral and non-polar, at codon 676 of the NSD1 protein (p.Leu676Val). This variant is not present in population databases (gnomAD no frequency). This variant has not been reported in the literature in individuals affected with NSD1-related conditions. Invitae Evidence Modeling of protein sequence and biophysical properties (such as structural, functional, and spatial information, amino acid conservation, physicochemical variation, residue mobility, and thermodynamic stability) indicates that this missense variant is not expected to disrupt NSD1 protein function with a negative predictive value of 95%. In summary, the available evidence is currently insufficient to determine the role of this variant in disease. Therefore, it has been classified as a Variant of Uncertain Significance.

NM_022455.5(NSD1):c.2026T>G (p.Leu676Val)

Gene: NSD1 (nuclear receptor binding SET domain protein 1; plus strand). Cytogenetic location: 5q35.3.
Variant type: single nucleotide variant.
Coding change: c.2026T>G on transcript NM_022455.5 (MANE Select); coding-DNA position 2026, T replaced by G.
Protein change: p.Leu676Val; replaces leucine 676 with valine.
Molecular consequence: missense variant.
Genome position (GRCh38, 1-based): chr5:177,210,425, T>G. VCF-style: chr5-177210425-T-G. GRCh37 (hg19) VCF-style: chr5-176637426-T-G.
Other names: c.1153T>G, p.Leu385Val (NM_001365684.2, NM_001409306.1, NM_001409307.1 and 3 more transcripts); c.2026T>G, p.Leu676Val (NM_001409301.1, NM_001409302.1, NM_001409303.1); c.1606T>G, p.Leu536Val (NM_001409304.1); c.1273T>G, p.Leu425Val (NM_001409305.1); short protein forms L385V, L425V, L536V, L676V.
Identifiers: ClinVar variation 4801577 (VCV004801577.1).